The following is an entry in ClinVar:

ClinVar aggregate classification (germline): Uncertain significance (1 of 4 stars; one submission).

Submission:

Labcorp Genetics (formerly Invitae), Labcorp
Classification: Uncertain significance. Last evaluated: 2022-04-01. Review status: criteria provided, single submitter. Criteria: Invitae Variant Classification Sherloc (09022015). Collection method: clinical testing. Allele origin: germline.
Comment: This variant has not been reported in the literature in individuals affected with NDUFAF3-related conditions. This sequence change falls in intron 2 of the NDUFAF3 gene. It does not directly change the encoded amino acid sequence of the NDUFAF3 protein. This variant is not present in population databases (gnomAD no frequency). Algorithms developed to predict the effect of sequence changes on RNA splicing suggest that this variant may disrupt the consensus splice site. In summary, the available evidence is currently insufficient to determine the role of this variant in disease. Therefore, it has been classified as a Variant of Uncertain Significance.

NM_199069.2(NDUFAF3):c.271-9C>T

Gene: NDUFAF3 (NADH:ubiquinone oxidoreductase complex assembly factor 3; plus strand). Cytogenetic location: 3p21.31.
Variant type: single nucleotide variant.
Coding change: c.271-9C>T on transcript NM_199069.2 (MANE Select); 9 bases into the intron before coding-DNA position 271, C replaced by T.
Molecular consequence: intron variant.
Genome position (GRCh38, 1-based): chr3:49,022,693, C>T. VCF-style: chr3-49022693-C-T. GRCh37 (hg19) VCF-style: chr3-49060126-C-T.
Other names: c.100-9C>T (NM_199074.2, NM_199073.2, NM_199070.2).
Identifiers: ClinVar variation 1955683 (VCV001955683.5), dbSNP rs1237286136, ClinGen allele CA2580069981.